The following is an entry in ClinVar:

ClinVar aggregate classification (germline): Pathogenic. Review status: criteria provided, single submitter (1 of 4 stars). 2 submissions from 2 submitters: Pathogenic (1). 1 of the submissions does not count toward it. Last evaluated 2017-10-03.

Conditions:
Dyskeratosis congenita, autosomal dominant 2. Identifiers: MedGen C3151443, MONDO:0013521, OMIM 613989.
Idiopathic Pulmonary Fibrosis. Also called: Idiopathic fibrosing alveolitis, chronic form; idiopathic fibrosing alveolitis. Identifiers: Orphanet 2032, MedGen C1800706, MeSH D054990, MONDO:0800504.
Pulmonary fibrosis. Identifiers: MedGen C0034069, MONDO:0002771, HP:0002206.

Submissions (2):

Labcorp Genetics (formerly Invitae), Labcorp
Classification: Pathogenic for Dyskeratosis congenita, autosomal dominant 2; Idiopathic Pulmonary Fibrosis. Last evaluated: 2017-10-03. Review status: criteria provided, single submitter. Criteria: Invitae Variant Classification Sherloc (09022015). Collection method: clinical testing. Allele origin: germline.
Comment: This sequence change creates a premature translational stop signal (p.Leu350Glufs*188) in the TERT gene. It is expected to result in an absent or disrupted protein product. This variant is not present in population databases (ExAC no frequency). This variant has not been reported in the literature in individuals with TERT-related disease. Loss-of-function variants in TERT are known to be pathogenic (PMID: 16247010, 17460043). For these reasons, this variant has been classified as Pathogenic.

Garcia Pulmonary Genetics Research Laboratory, Columbia University Irving Medical Center
Classification: Likely risk allele for Pulmonary fibrosis. Last evaluated: 2022-06-09. Review status: no assertion criteria provided. Collection method: research. Allele origin: germline. Affected: yes. Not counted in ClinVar's aggregate classification.
Comment: Leukocyte telomere length (by qPCR) less than 10th percentile age-adjusted

Literature cited by the submitters: PubMed 16247010 (cited by Labcorp Genetics (formerly Invitae), Labcorp); PubMed 17460043 (cited by Labcorp Genetics (formerly Invitae), Labcorp).

NM_198253.3(TERT):c.1048_1049del (p.Leu350fs)

Gene: TERT (telomerase reverse transcriptase; minus strand). Cytogenetic location: 5p15.33.
Variant type: Microsatellite.
Coding change: c.1048_1049del on transcript NM_198253.3 (MANE Select); coding-DNA positions 1048 to 1049, 2 bases deleted (CT; older notation c.1048_1049delCT).
Protein change: p.Leu350fs; shifts the reading frame from leucine 350.
Molecular consequence: frameshift variant. On other transcripts: non-coding transcript variant (2).
Genome position (GRCh38, 1-based): chr5:1,293,837-1,293,838, AG deleted on the plus strand (CT on the coding strand, the reverse complement: TERT is on the minus strand); deleting any 2 consecutive bases within chr5:1,293,837-1,293,842 gives the same sequence; the c. name uses the placement nearest the transcript's 3' end. VCF-style (leftmost placement, unchanged base first): chr5-1293836-CAG-C. GRCh37 (hg19) VCF-style: chr5-1293951-CAG-C.
Other names: p.Leu350fs; c.1048_1049del, p.Leu350fs (NM_001193376.3); c.1048_1049delCT (NM_198253.2, NM_198253.3); short protein forms L350fs.
Identifiers: ClinVar variation 539192 (VCV000539192.34), dbSNP rs1554042899, ClinGen allele CA658796497.